The following is an entry in ClinVar:

ClinVar aggregate classification (germline): Pathogenic. Review status: reviewed by expert panel (3 of 4 stars). 4 submissions from 4 submitters: Pathogenic (1). 3 of the submissions do not count toward it. Last evaluated 2016-10-18.

Conditions:
Breast-ovarian cancer, familial, susceptibility to, 2 (BROVCA2). Also called: BRCA2 Hereditary Breast and Ovarian Cancer. Identifiers: Orphanet 145, MedGen C2675520, MONDO:0012933, OMIM 612555. Disease mechanism: loss of function.
Inherited ovarian cancer (without breast cancer).

Submissions (4):

Evidence-based Network for the Interpretation of Germline Mutant Alleles (ENIGMA)
Classification: Pathogenic for Breast-ovarian cancer, familial, susceptibility to, 2. Last evaluated: 2016-10-18. Review status: reviewed by expert panel. Criteria: ENIGMA BRCA1/2 Classification Criteria (2015). Collection method: curation. Allele origin: germline.
Comment: Variant allele predicted to encode a truncated non-functional protein.

NHS Central & South Genomic Laboratory Hub
Classification: Pathogenic for Inherited ovarian cancer (without breast cancer). Last evaluated: 2024-07-01. Review status: criteria provided, single submitter. Criteria: ACMG Guidelines, 2015. Collection method: clinical testing. Allele origin: germline. Affected: yes. Not counted in ClinVar's aggregate classification.

Department of Clinical Genetics, Copenhagen University Hospital, Rigshospitalet
Classification: Pathogenic for Breast-ovarian cancer, familial, susceptibility to, 2. Last evaluated: 2024-05-27. Review status: criteria provided, single submitter. Criteria: ACMG Guidelines, 2015. Collection method: clinical testing. Allele origin: germline. Affected: yes. Not counted in ClinVar's aggregate classification.
Comment: PVS1; PM2_supporting; PM5_PTC_Strong

Consortium of Investigators of Modifiers of BRCA1/2 (CIMBA), c/o University of Cambridge
Classification: Pathogenic for Breast-ovarian cancer, familial, susceptibility to, 2. Last evaluated: 2015-10-02. Review status: criteria provided, single submitter. Criteria: CIMBA Mutation Classification guidelines May 2016. Collection method: clinical testing. Allele origin: germline. Not counted in ClinVar's aggregate classification.

Literature cited by the submitters: PubMed 21318380 (cited by Department of Clinical Genetics, Copenhagen University Hospital, Rigshospitalet).

NM_000059.4(BRCA2):c.2748T>A (p.Cys916Ter)

Gene: BRCA2 (BRCA2 DNA repair associated; plus strand). Cytogenetic location: 13q13.1.
Variant type: single nucleotide variant.
Coding change: c.2748T>A on transcript NM_000059.4 (MANE Select); coding-DNA position 2748, T replaced by A.
Protein change: p.Cys916Ter; replaces cysteine 916 with a stop codon.
Molecular consequence: nonsense.
Genome position (GRCh38, 1-based): chr13:32,337,103, T>A. VCF-style: chr13-32337103-T-A. GRCh37 (hg19) VCF-style: chr13-32911240-T-A.
Other names: 2976T>A; short protein forms C916*.
Identifiers: ClinVar variation 51336 (VCV000051336.9), dbSNP rs397507638, ClinGen allele CA016242.